The following is an entry in ClinVar:

ClinVar aggregate classification (germline): Benign/Likely benign. Review status: criteria provided, multiple submitters, no conflicts (2 of 4 stars). 3 submissions from 3 submitters: Benign (1); Likely benign (2). Last evaluated 2026-06-24.

Conditions:
Retinoblastoma (RB1). Also called: RETINOBLASTOMA, SOMATIC. Identifiers: Orphanet 790, MedGen C0035335, MeSH D012175, MONDO:0008380, OMIM 180200, HP:0009919. Disease mechanism: loss of function. Inheritance: Both sporadic and heritable forms are tested..
Hereditary cancer-predisposing syndrome. Also called: Tumor predisposition; Neoplastic Syndromes, Hereditary; Hereditary neoplastic syndrome; Hereditary Cancer Syndrome. Identifiers: Orphanet 140162, MedGen C0027672, MeSH D009386, MONDO:0015356.

Submissions (3):

Myriad Genetics, Inc.
Classification: Benign for Retinoblastoma. Last evaluated: 2026-06-24. Review status: criteria provided, single submitter. Criteria: Myriad Autosomal Dominant, Autosomal Recessive and X-Linked Classification Criteria (2023). Collection method: clinical testing. Allele origin: unknown.
Comment: This variant is considered benign. This variant is a silent/synonymous amino acid change and it is not expected to impact splicing.

Ambry Genetics
Classification: Likely benign for Hereditary cancer-predisposing syndrome. Last evaluated: 2026-06-05. Review status: criteria provided, single submitter. Criteria: Ambry Variant Classification Scheme 2023. Collection method: clinical testing. Allele origin: germline.

Labcorp Genetics (formerly Invitae), Labcorp
Classification: Likely benign for Retinoblastoma. Last evaluated: 2025-07-06. Review status: criteria provided, single submitter. Criteria: Invitae Variant Classification Sherloc (09022015). Collection method: clinical testing. Allele origin: germline.

NM_000321.3(RB1):c.822T>C (p.Ile274=)

Gene: RB1 (RB transcriptional corepressor 1; plus strand). Cytogenetic location: 13q14.2.
Variant type: single nucleotide variant.
Coding change: c.822T>C on transcript NM_000321.3 (MANE Select); coding-DNA position 822, T replaced by C.
Protein change: p.Ile274=; no amino-acid change (isoleucine 274 retained).
Molecular consequence: synonymous variant.
Genome position (GRCh38, 1-based): chr13:48,362,918, T>C. VCF-style: chr13-48362918-T-C. GRCh37 (hg19) VCF-style: chr13-48937054-T-C.
Other names: c.822T>C, p.Ile274= (NM_001407165.1, NM_001407166.1).
Identifiers: ClinVar variation 2887939 (VCV002887939.5), dbSNP rs2138112645, ClinGen allele CA483557931.